The following is an entry in ClinVar:

NM_000059.4(BRCA2):c.8633-2542A>G

Gene: BRCA2 (BRCA2 DNA repair associated; plus strand). Cytogenetic location: 13q13.1.
Variant type: single nucleotide variant.
Coding change: c.8633-2542A>G on transcript NM_000059.4 (MANE Select); 2542 bases into the intron before coding-DNA position 8633, A replaced by G.
Molecular consequence: intron variant.
Genome position (GRCh38, 1-based): chr13:32,374,128, A>G. VCF-style: chr13-32374128-A-G. GRCh37 (hg19) VCF-style: chr13-32948265-A-G.
Other names: IVS 20-2542A>G.
Identifiers: ClinVar variation 209830 (VCV000209830.1), dbSNP rs11571753, ClinGen allele CA276798.

ClinVar aggregate classification (germline): Benign (3 of 4 stars; one submission).

Conditions:
Breast-ovarian cancer, familial, susceptibility to, 2 (BROVCA2). Also called: BRCA2 Hereditary Breast and Ovarian Cancer. Identifiers: Orphanet 145, MedGen C2675520, MONDO:0012933, OMIM 612555. Disease mechanism: loss of function.

Allele frequency attached by ClinVar (database versions not stated): gnomAD 0.00794 and 0.00727; TOPMed 0.00806; 1000 Genomes Project 0.00679; 1000 Genomes Project 30x 0.00734.
gnomAD v4.1: 1,099 of 152,354 alleles (0.72%); highest among the groups gnomAD compares: African/African-American, 2.5%; 16 homozygotes.

Submission:

Evidence-based Network for the Interpretation of Germline Mutant Alleles (ENIGMA)
Classification: Benign for Breast-ovarian cancer, familial 2. Last evaluated: 2015-01-12. Review status: reviewed by expert panel. Criteria: ENIGMA BRCA1/2 Classification Criteria (2015). Collection method: curation. Allele origin: germline.
Comment: Class 1 not pathogenic based on frequency >1% in an outbred sampleset. Frequency 0.03049 (African), derived from 1000 genomes (2012-04-30).